The following is an entry in ClinVar:

NM_000264.5(PTCH1):c.1900_1907del (p.His634fs)

Genes: PTCH1 (patched 1; minus strand), LOC100507346 (uncharacterized LOC100507346; plus strand). Cytogenetic location: 9q22.32.
Variant type: Deletion.
Coding change: c.1900_1907del on transcript NM_000264.5 (MANE Select); coding-DNA positions 1900 to 1907, 8 bases deleted (CACGACAA; older notation c.1900_1907delCACGACAA).
Protein change: p.His634fs; shifts the reading frame from histidine 634.
Molecular consequence: frameshift variant. On other transcripts: non-coding transcript variant (2).
Genome position (GRCh38, 1-based): chr9:95,469,094-95,469,101, TTGTCGTG deleted on the plus strand (CACGACAA on the coding strand, the reverse complement: PTCH1 is on the minus strand); deleting any 8 consecutive bases within chr9:95,469,094-95,469,102 gives the same sequence; the c. name uses the placement nearest the transcript's 3' end. VCF-style (leftmost placement, unchanged base first): chr9-95469093-ATTGTCGTG-A. GRCh37 (hg19) VCF-style: chr9-98231375-ATTGTCGTG-A.
Other names: c.1702_1709del, p.His568fs (NM_001083602.3); c.1897_1904del, p.His633fs (NM_001083603.3); c.1447_1454del, p.His483fs (NM_001083604.3, NM_001083605.3, NM_001083606.3 and 1 more transcripts); c.1744_1751del, p.His582fs (NM_001354918.2); short protein forms H633fs, H634fs, H582fs, H483fs, H568fs.
Identifiers: ClinVar variation 2844317 (VCV002844317.3), dbSNP rs2538149666, ClinGen allele CA2739269416.

ClinVar aggregate classification (germline): Pathogenic (1 of 4 stars; one submission).

Conditions:
Gorlin syndrome. Also called: Nevoid Basal Cell Carcinoma Syndrome; Basal cell nevus syndrome. Identifiers: Orphanet 377, MedGen C0004779, MONDO:0007187.

Submission:

Labcorp Genetics (formerly Invitae), Labcorp
Classification: Pathogenic for Gorlin syndrome. Last evaluated: 2023-03-08. Review status: criteria provided, single submitter. Criteria: Invitae Variant Classification Sherloc (09022015). Collection method: clinical testing. Allele origin: germline.
Comment: This variant is not present in population databases (gnomAD no frequency). For these reasons, this variant has been classified as Pathogenic. This variant has not been reported in the literature in individuals affected with PTCH1-related conditions. This sequence change creates a premature translational stop signal (p.His634Tyrfs*17) in the PTCH1 gene. It is expected to result in an absent or disrupted protein product. Loss-of-function variants in PTCH1 are known to be pathogenic (PMID: 16301862, 16419085).

Literature cited by the submitters: PubMed 16301862; PubMed 16419085.